The following is an entry in ClinVar:

NM_005422.4(TECTA):c.838A>G (p.Thr280Ala)

Genes: TBCEL-TECTA (TBCEL-TECTA readthrough; plus strand), TECTA (tectorin alpha; plus strand). Cytogenetic location: 11q23.3.
Variant type: single nucleotide variant.
Coding change: c.838A>G on transcript NM_005422.4 (MANE Select); coding-DNA position 838, A replaced by G.
Protein change: p.Thr280Ala; replaces threonine 280 with alanine.
Molecular consequence: missense variant.
Genome position (GRCh38, 1-based): chr11:121,118,353, A>G. VCF-style: chr11-121118353-A-G. GRCh37 (hg19) VCF-style: chr11-120989062-A-G.
Other names: c.1795A>G, p.Thr599Ala (NM_001378761.1); short protein forms T280A, T599A.
Identifiers: ClinVar variation 3375922 (VCV003375922.3).
Genomic context (GRCh38, chr11:121,118,353, plus strand): 5'-CATTATTCCCCAGGACAATTCCTTCGGCGAGGGGAGGTGTTTTGGGATGACTTGAACTGC[A>G]CCGTCAAGTGCCGCTGTCTGGATTTCAACAATGAGATCTACTGCCAGGAGGCTTCCTGTA-3'
Protein context (NP_005413.2, residues 270-290): GEVFWDDLNC[Thr280Ala]VKCRCLDFNN

ClinVar aggregate classification (germline): Uncertain significance. Review status: criteria provided, multiple submitters, no conflicts (2 of 4 stars). 2 submissions from 2 submitters: Uncertain significance (2). Last evaluated 2024-10-08.

gnomAD v4.1: 4 of 1,614,012 alleles (0.00025%); highest among the groups gnomAD compares: Non-Finnish European, 0.00034%; no homozygotes.

Submissions (2):

Labcorp Genetics (formerly Invitae), Labcorp
Classification: Uncertain significance. Last evaluated: 2024-10-08. Review status: criteria provided, single submitter. Criteria: Invitae Variant Classification Sherloc (09022015). Collection method: clinical testing. Allele origin: germline.
Comment: This sequence change replaces threonine, which is neutral and polar, with alanine, which is neutral and non-polar, at codon 280 of the TECTA protein (p.Thr280Ala). This variant is present in population databases (rs779597120, gnomAD 0.002%). This variant has not been reported in the literature in individuals affected with TECTA-related conditions. Invitae Evidence Modeling of protein sequence and biophysical properties (such as structural, functional, and spatial information, amino acid conservation, physicochemical variation, residue mobility, and thermodynamic stability) indicates that this missense variant is not expected to disrupt TECTA protein function with a negative predictive value of 95%. In summary, the available evidence is currently insufficient to determine the role of this variant in disease. Therefore, it has been classified as a Variant of Uncertain Significance.

GeneDx
Classification: Uncertain significance. Last evaluated: 2024-05-06. Review status: criteria provided, single submitter. Criteria: GeneDx Variant Classification Process June 2021. Collection method: clinical testing. Allele origin: germline. Affected: yes.
Comment: Not observed at significant frequency in large population cohorts (gnomAD); In silico analysis indicates that this missense variant does not alter protein structure/function; Has not been previously published as pathogenic or benign to our knowledge; This variant is associated with the following publications: (PMID: 21520338, 31554319, 9590290)